The following is an entry in ClinVar:

NM_005618.4(DLL1):c.1913C>T (p.Ala638Val)

Gene: DLL1 (delta like canonical Notch ligand 1; minus strand). Cytogenetic location: 6q27.
Variant type: single nucleotide variant.
Coding change: c.1913C>T on transcript NM_005618.4 (MANE Select); coding-DNA position 1913, C replaced by T.
Protein change: p.Ala638Val; replaces alanine 638 with valine.
Molecular consequence: missense variant.
Genome position (GRCh38, 1-based): chr6:170,283,366, G>A on the plus strand (C>T on the coding strand, the complement: DLL1 is on the minus strand). VCF-style: chr6-170283366-G-A. GRCh37 (hg19) VCF-style: chr6-170592454-G-A.
Other names: short protein forms A638V.
Identifiers: ClinVar variation 2976620 (VCV002976620.3), dbSNP rs780734657, ClinGen allele CA4106684.

ClinVar aggregate classification (germline): Uncertain significance (1 of 4 stars; one submission).

Allele frequency attached by ClinVar (database versions not stated): gnomAD 0.00003; TOPMed 0.00003.
gnomAD v4.1: 32 of 1,612,052 alleles (0.002%); highest among the groups gnomAD compares: South Asian, 0.0033%; no homozygotes.

Submission:

Labcorp Genetics (formerly Invitae), Labcorp
Classification: Uncertain significance. Last evaluated: 2023-07-12. Review status: criteria provided, single submitter. Criteria: Invitae Variant Classification Sherloc (09022015). Collection method: clinical testing. Allele origin: germline.
Comment: In summary, the available evidence is currently insufficient to determine the role of this variant in disease. Therefore, it has been classified as a Variant of Uncertain Significance. An algorithm developed to predict the effect of missense changes on protein structure and function (PolyPhen-2) suggests that this variant is likely to be tolerated. This variant has not been reported in the literature in individuals affected with DLL1-related conditions. This variant is present in population databases (rs780734657, gnomAD 0.01%). This sequence change replaces alanine, which is neutral and non-polar, with valine, which is neutral and non-polar, at codon 638 of the DLL1 protein (p.Ala638Val).